The following is an entry in ClinVar:

NM_017649.5(CNNM2):c.1159T>C (p.Phe387Leu)

Gene: CNNM2 (cyclin and CBS domain divalent metal cation transport mediator 2; plus strand). Cytogenetic location: 10q24.32.
Variant type: single nucleotide variant.
Coding change: c.1159T>C on transcript NM_017649.5 (MANE Select); coding-DNA position 1159, T replaced by C.
Protein change: p.Phe387Leu; replaces phenylalanine 387 with leucine.
Molecular consequence: missense variant.
Genome position (GRCh38, 1-based): chr10:102,919,639, T>C. VCF-style: chr10-102919639-T-C. GRCh37 (hg19) VCF-style: chr10-104679396-T-C.
Other names: c.1159T>C, p.Phe387Leu (NM_199076.3, NM_199077.3); short protein forms F387L.
Identifiers: ClinVar variation 2824049 (VCV002824049.3), dbSNP rs769958762, ClinGen allele CA5670358.

ClinVar aggregate classification (germline): Uncertain significance (1 of 4 stars; one submission).

Allele frequency attached by ClinVar (database versions not stated): gnomAD exomes below 0.00001; ExAC 0.00001.
gnomAD v4.1: 3 of 1,614,104 alleles (0.00019%); highest among the groups gnomAD compares: Non-Finnish European, 0.00017%; no homozygotes.

Submission:

Labcorp Genetics (formerly Invitae), Labcorp
Classification: Uncertain significance. Last evaluated: 2025-06-09. Review status: criteria provided, single submitter. Criteria: Invitae Variant Classification Sherloc (09022015). Collection method: clinical testing. Allele origin: germline.
Comment: This sequence change replaces phenylalanine, which is neutral and non-polar, with leucine, which is neutral and non-polar, at codon 387 of the CNNM2 protein (p.Phe387Leu). This variant is present in population databases (rs769958762, gnomAD 0.002%). This variant has not been reported in the literature in individuals affected with CNNM2-related conditions. ClinVar contains an entry for this variant (Variation ID: 2824049). Invitae Evidence Modeling of protein sequence and biophysical properties (such as structural, functional, and spatial information, amino acid conservation, physicochemical variation, residue mobility, and thermodynamic stability) indicates that this missense variant is not expected to disrupt CNNM2 protein function with a negative predictive value of 80%. In summary, the available evidence is currently insufficient to determine the role of this variant in disease. Therefore, it has been classified as a Variant of Uncertain Significance.